The following is an entry in ClinVar:

ClinVar aggregate classification (germline): Uncertain significance (1 of 4 stars; one submission).

Allele frequency attached by ClinVar (database versions not stated): gnomAD exomes below 0.00001; TOPMed 0.00002.
gnomAD v4.1: 1 of 1,369,534 alleles (0.000073%); highest among the groups gnomAD compares: Non-Finnish European, 0.000096%; no homozygotes.

Submission:

Labcorp Genetics (formerly Invitae), Labcorp
Classification: Uncertain significance. Last evaluated: 2022-08-10. Review status: criteria provided, single submitter. Criteria: Invitae Variant Classification Sherloc (09022015). Collection method: clinical testing. Allele origin: germline.
Comment: In summary, the available evidence is currently insufficient to determine the role of this variant in disease. Therefore, it has been classified as a Variant of Uncertain Significance. Experimental studies and prediction algorithms are not available or were not evaluated, and the functional significance of this variant is currently unknown. This variant has not been reported in the literature in individuals affected with REEP6-related conditions. The frequency data for this variant in the population databases is considered unreliable, as metrics indicate poor data quality at this position in the gnomAD database. This sequence change replaces lysine, which is basic and polar, with asparagine, which is neutral and polar, at codon 211 of the REEP6 protein (p.Lys211Asn).

NM_138393.4(REEP6):c.552G>C (p.Lys184Asn)

Gene: REEP6 (receptor accessory protein 6; plus strand). Cytogenetic location: 19p13.3.
Variant type: single nucleotide variant.
Coding change: c.552G>C on transcript NM_138393.4 (MANE Select); coding-DNA position 552, G replaced by C.
Protein change: p.Lys184Asn; replaces lysine 184 with asparagine.
Molecular consequence: missense variant.
Genome position (GRCh38, 1-based): chr19:1,497,208, G>C. VCF-style: chr19-1497208-G-C. GRCh37 (hg19) VCF-style: chr19-1497207-G-C.
Other names: c.633G>C, p.Lys211Asn (NM_001329556.3); short protein forms K211N, K184N.
Identifiers: ClinVar variation 1926960 (VCV001926960.5), dbSNP rs1019240076, ClinGen allele CA304054401.